The following is an entry in ClinVar:

ClinVar aggregate classification (germline): Uncertain significance (1 of 4 stars; one submission).

Conditions:
Primary ciliary dyskinesia. Also called: Ciliary dyskinesia. Identifiers: Orphanet 244, MedGen C0008780, MONDO:0016575, HP:0012265.

Allele frequency attached by ClinVar (database versions not stated): gnomAD exomes 0.00001; gnomAD 0.00002; TOPMed 0.00002.
gnomAD v4.1: 16 of 1,614,140 alleles (0.00099%); highest among the groups gnomAD compares: Admixed American, 0.005%; no homozygotes.

Submission:

Labcorp Genetics (formerly Invitae), Labcorp
Classification: Uncertain significance for Primary ciliary dyskinesia. Last evaluated: 2022-05-05. Review status: criteria provided, single submitter. Criteria: Invitae Variant Classification Sherloc (09022015). Collection method: clinical testing. Allele origin: germline.
Comment: This sequence change replaces alanine, which is neutral and non-polar, with valine, which is neutral and non-polar, at codon 1732 of the DNAH5 protein (p.Ala1732Val). This variant is present in population databases (no rsID available, gnomAD 0.006%). This variant has not been reported in the literature in individuals affected with DNAH5-related conditions. Algorithms developed to predict the effect of missense changes on protein structure and function are either unavailable or do not agree on the potential impact of this missense change (SIFT: "Deleterious"; PolyPhen-2: "Benign"; Align-GVGD: "Class C0"). Algorithms developed to predict the effect of sequence changes on RNA splicing suggest that this variant may create or strengthen a splice site. In summary, the available evidence is currently insufficient to determine the role of this variant in disease. Therefore, it has been classified as a Variant of Uncertain Significance.

NM_001369.3(DNAH5):c.5195C>T (p.Ala1732Val)

Gene: DNAH5 (dynein axonemal heavy chain 5; minus strand). Cytogenetic location: 5p15.2.
Variant type: single nucleotide variant.
Coding change: c.5195C>T on transcript NM_001369.3 (MANE Select); coding-DNA position 5195, C replaced by T.
Protein change: p.Ala1732Val; replaces alanine 1732 with valine.
Molecular consequence: missense variant.
Genome position (GRCh38, 1-based): chr5:13,844,913, G>A on the plus strand (C>T on the coding strand, the complement: DNAH5 is on the minus strand). VCF-style: chr5-13844913-G-A. GRCh37 (hg19) VCF-style: chr5-13845022-G-A.
Other names: short protein forms A1732V.
Identifiers: ClinVar variation 2041580 (VCV002041580.1), dbSNP rs1018336173, ClinGen allele CA113954606.